The following is an entry in ClinVar:

NM_006088.6(TUBB4B):c.166+8C>T

Gene: TUBB4B (tubulin beta 4B class IVb; plus strand). Cytogenetic location: 9q34.3.
Variant type: single nucleotide variant.
Coding change: c.166+8C>T on transcript NM_006088.6 (MANE Select); 8 bases into the intron after coding-DNA position 166, C replaced by T.
Molecular consequence: intron variant.
Genome position (GRCh38, 1-based): chr9:137,241,837, C>T. VCF-style: chr9-137241837-C-T. GRCh37 (hg19) VCF-style: chr9-140136289-C-T.
Other names: c.166+8C>T (NM_006088.5).
Identifiers: ClinVar variation 4906186 (VCV004906186.2).

ClinVar aggregate classification (germline): Likely benign. Review status: criteria provided, multiple submitters, no conflicts (2 of 4 stars). 2 submissions from 2 submitters: Likely benign (2). Last evaluated 2026-07-23.

Conditions:
TUBB4B-related disorder. Also called: TUBB4B-related condition.

gnomAD v4.1: 26 of 1,612,190 alleles (0.0016%); highest among the groups gnomAD compares: Admixed American, 0.032%; no homozygotes.

Submissions (2):

PreventionGenetics, part of Exact Sciences
Classification: Likely benign for TUBB4B-related condition. Last evaluated: 2026-07-23. Review status: criteria provided, single submitter. Criteria: ACMG Guidelines, 2015. Collection method: clinical testing. Allele origin: germline.
Comment: This variant is classified as likely benign based on ACMG/AMP sequence variant interpretation guidelines (Richards et al. 2015 PMID: 25741868, with internal and published modifications).

Blueprint Genetics
Classification: Likely benign. Last evaluated: 2021-10-29. Review status: criteria provided, single submitter. Criteria: ACMG Guidelines, 2015. Collection method: clinical testing. Allele origin: germline.